The following is an entry in ClinVar:

NM_001723.7(DST):c.6838C>G (p.Gln2280Glu)

Gene: DST (dystonin; minus strand). Cytogenetic location: 6p12.1.
Variant type: single nucleotide variant.
Coding change: c.6838C>G on transcript NM_001723.7 (MANE Plus Clinical); coding-DNA position 6838, C replaced by G.
Protein change: p.Gln2280Glu; replaces glutamine 2280 with glutamic acid.
Molecular consequence: missense variant. On other transcripts: intron variant (10).
Genome position (GRCh38, 1-based): chr6:56,616,629, G>C on the plus strand (C>G on the coding strand, the complement: DST is on the minus strand). VCF-style: chr6-56616629-G-C. GRCh37 (hg19) VCF-style: chr6-56481427-G-C.
Other names: c.4831-2145C>G (NM_001144769.5); c.4930-2145C>G (NM_001374722.1, NM_001374736.1); c.4957-2145C>G (NM_001374734.1); c.4417-2145C>G (NM_001144770.2); c.4297-2145C>G (NM_001374730.1, NM_001386100.1, NM_183380.4 and 1 more transcripts); c.3319-2145C>G (NM_015548.5); short protein forms Q2280E.
Identifiers: ClinVar variation 474545 (VCV000474545.6), dbSNP rs772001929, ClinGen allele CA3870085.

ClinVar aggregate classification (germline): Uncertain significance (1 of 4 stars; one submission).

Conditions:
Hereditary sensory and autonomic neuropathy type 6. Also called: HSAN VI; Neuropathy, hereditary sensory and autonomic, type VI. Identifiers: Orphanet 314381, MedGen C3539003, MONDO:0013839, OMIM 614653.
Epidermolysis bullosa simplex 3, localized or generalized intermediate, with BP230 deficiency (EBS3). Also called: Epidermolysis bullosa simplex, autosomal recessive 2; Epidermolysis bullosa simplex due to BP230 deficiency. Identifiers: Orphanet 412181, MedGen C3809470, MONDO:0014180, OMIM 615425.

Allele frequency attached by ClinVar (database versions not stated): gnomAD 0.00001; ExAC 0.00002; gnomAD exomes 0.00002 and 0.00003.
gnomAD v4.1: 35 of 1,614,070 alleles (0.0022%); highest among the groups gnomAD compares: Admixed American, 0.005%; no homozygotes.

Submission:

Labcorp Genetics (formerly Invitae), Labcorp
Classification: Uncertain significance for Epidermolysis bullosa simplex 3, localized or generalized intermediate, with BP230 deficiency; Hereditary sensory and autonomic neuropathy type 6. Last evaluated: 2021-08-27. Review status: criteria provided, single submitter. Criteria: Invitae Variant Classification Sherloc (09022015). Collection method: clinical testing. Allele origin: germline.
Comment: This sequence change replaces glutamine with glutamic acid at codon 2280 of the DST protein (p.Gln2280Glu). The glutamine residue is weakly conserved and there is a small physicochemical difference between glutamine and glutamic acid. This variant is present in population databases (rs772001929, ExAC 0.004%). This variant has not been reported in the literature in individuals affected with DST-related conditions. Algorithms developed to predict the effect of missense changes on protein structure and function (SIFT, PolyPhen-2, Align-GVGD) all suggest that this variant is likely to be tolerated. Algorithms developed to predict the effect of sequence changes on RNA splicing suggest that this variant may create or strengthen a splice site. In summary, the available evidence is currently insufficient to determine the role of this variant in disease. Therefore, it has been classified as a Variant of Uncertain Significance.